The following is an entry in ClinVar:

ClinVar aggregate classification (germline): Uncertain significance (1 of 4 stars; one submission).

Submission:

Labcorp Genetics (formerly Invitae), Labcorp
Classification: Uncertain significance. Last evaluated: 2024-02-27. Review status: criteria provided, single submitter. Criteria: Invitae Variant Classification Sherloc (09022015). Collection method: clinical testing. Allele origin: germline.
Comment: This sequence change replaces tyrosine, which is neutral and polar, with cysteine, which is neutral and slightly polar, at codon 241 of the GCM2 protein (p.Tyr241Cys). This variant is not present in population databases (gnomAD no frequency). This variant has not been reported in the literature in individuals affected with GCM2-related conditions. Advanced modeling of protein sequence and biophysical properties (such as structural, functional, and spatial information, amino acid conservation, physicochemical variation, residue mobility, and thermodynamic stability) performed at Invitae indicates that this missense variant is not expected to disrupt GCM2 protein function with a negative predictive value of 80%. In summary, the available evidence is currently insufficient to determine the role of this variant in disease. Therefore, it has been classified as a Variant of Uncertain Significance.

NM_004752.4(GCM2):c.722A>G (p.Tyr241Cys)

Gene: GCM2 (glial cells missing transcription factor 2; minus strand). Cytogenetic location: 6p24.2.
Variant type: single nucleotide variant.
Coding change: c.722A>G on transcript NM_004752.4 (MANE Select); coding-DNA position 722, A replaced by G.
Protein change: p.Tyr241Cys; replaces tyrosine 241 with cysteine.
Molecular consequence: missense variant.
Genome position (GRCh38, 1-based): chr6:10,874,794, T>C on the plus strand (A>G on the coding strand, the complement: GCM2 is on the minus strand). VCF-style: chr6-10874794-T-C. GRCh37 (hg19) VCF-style: chr6-10875027-T-C.
Other names: short protein forms Y241C.
Identifiers: ClinVar variation 3643515 (VCV003643515.2).